The following is an entry in ClinVar:

NM_005359.6(SMAD4):c.454+1809A>G

Gene: SMAD4 (SMAD family member 4; plus strand). Cytogenetic location: 18q21.2.
Variant type: single nucleotide variant.
Coding change: c.454+1809A>G on transcript NM_005359.6 (MANE Select); 1809 bases into the intron after coding-DNA position 454, A replaced by G.
Molecular consequence: intron variant.
Genome position (GRCh38, 1-based): chr18:51,051,133, A>G. VCF-style: chr18-51051133-A-G. GRCh37 (hg19) VCF-style: chr18-48577503-A-G.
Other names: c.454+1809A>G (NM_001407042.1, NM_001407041.1, NM_001407043.1).
Identifiers: ClinVar variation 3445838 (VCV003445838.3).
Genomic context (GRCh38, chr18:51,051,133, plus strand): 5'-TCCATGTTTTTGGAGAAAACGTTTGTCTCAGTGGGTATTAAAGGTTGGGAGACTGCAATG[A>G]TAAGTGTGTCTGAATCTCTCTATGGGGCTGTTTGTGAGGGGGTTCAAATTCTGAGTGCTC-3'

ClinVar aggregate classification (germline): Pathogenic (1 of 4 stars; one submission).

Conditions:
Familial thoracic aortic aneurysm and aortic dissection (TAAD). Also called: Thoracic aortic aneurysms and dissections. Identifiers: Orphanet 91387, MedGen C4707243, MONDO:0019625.
Hereditary cancer-predisposing syndrome. Also called: Tumor predisposition; Hereditary Cancer Syndrome; Hereditary neoplastic syndrome; Neoplastic Syndromes, Hereditary. Identifiers: Orphanet 140162, MedGen C0027672, MeSH D009386, MONDO:0015356.

Submission:

Ambry Genetics
Classification: Pathogenic for Hereditary cancer-predisposing syndrome; Familial thoracic aortic aneurysm and aortic dissection. Last evaluated: 2026-07-10. Review status: criteria provided, single submitter. Criteria: Ambry Variant Classification Scheme 2023. Collection method: clinical testing. Allele origin: germline.
Comment: The c.454+1809A>G intronic pathogenic variant results from an A to G substitution 1809 nucleotides after coding exon 3 in the SMAD4 gene. This variant has been identified in individuals whose clinical features are consistent with Juvenile polyposis syndrome (Ambry internal data). This nucleotide position is conserved through mammals. In silico splice site analysis predicts that this alteration will result in the creation or strengthening of a novel splice donor site. RNA studies have demonstrated that this alteration results in abnormal splicing in the set of samples tested (Ambry internal data). Based on the supporting evidence, this variant is interpreted as a disease-causing mutation.